The following is an entry in ClinVar:

ClinVar aggregate classification (germline): Uncertain significance (1 of 4 stars; one submission).

Conditions:
Tuberous sclerosis 2 (TSC2). Identifiers: Orphanet 805, MedGen C1860707, MONDO:0013199, OMIM 613254.

Submission:

Labcorp Genetics (formerly Invitae), Labcorp
Classification: Uncertain significance for Tuberous sclerosis 2. Last evaluated: 2021-04-23. Review status: criteria provided, single submitter. Criteria: Invitae Variant Classification Sherloc (09022015). Collection method: clinical testing. Allele origin: germline.
Comment: In summary, the available evidence is currently insufficient to determine the role of this variant in disease. Therefore, it has been classified as a Variant of Uncertain Significance. Advanced modeling of protein sequence and biophysical properties (such as structural, functional, and spatial information, amino acid conservation, physicochemical variation, residue mobility, and thermodynamic stability) performed at Invitae indicates that this missense variant is not expected to disrupt TSC2 protein function. This variant has not been reported in the literature in individuals with TSC2-related conditions. This variant is not present in population databases (ExAC no frequency). This sequence change replaces glutamine with histidine at codon 1392 of the TSC2 protein (p.Gln1392His). The glutamine residue is highly conserved and there is a small physicochemical difference between glutamine and histidine.

NM_000548.5(TSC2):c.4176G>T (p.Gln1392His)

Gene: TSC2 (TSC complex subunit 2; plus strand). Cytogenetic location: 16p13.3.
Variant type: single nucleotide variant.
Coding change: c.4176G>T on transcript NM_000548.5 (MANE Select); coding-DNA position 4176, G replaced by T.
Protein change: p.Gln1392His; replaces glutamine 1392 with histidine.
Molecular consequence: missense variant.
Genome position (GRCh38, 1-based): chr16:2,084,398, G>T. VCF-style: chr16-2084398-G-T. GRCh37 (hg19) VCF-style: chr16-2134399-G-T.
Other names: c.3975G>T, p.Gln1325His (NM_001077183.3); c.4107G>T, p.Gln1369His (NM_001114382.3); c.3867G>T, p.Gln1289His (NM_001318827.2); c.3831G>T, p.Gln1277His (NM_001318829.2); c.3444G>T, p.Gln1148His (NM_001318831.2); c.4008G>T, p.Gln1336His (NM_001318832.2); c.3978G>T, p.Gln1326His (NM_001363528.2); c.4044G>T, p.Gln1348His (NM_001370404.1); and 1 more; short protein forms Q1326H, Q1348H, Q1325H, Q1336H, Q1349H, Q1392H, Q1148H, Q1277H.
Identifiers: ClinVar variation 1485482 (VCV001485482.8), dbSNP rs749930791, ClinGen allele CA394299779.
Genomic context (GRCh38, chr16:2,084,398, plus strand): 5'-GGACCTCTCCTTCCAGCCCTCGCAGCCCCTGAGCAAGTCCAGCTCCTCTCCCGAGCTGCA[G>T]ACTCTGCAGGACATCCTCGGGGACCCTGGGGACAAGGCCGACGTGGGCCGGCTGAGCCCT-3'
Protein context (NP_000539.2, residues 1382-1402): LSKSSSSPEL[Gln1392His]TLQDILGDPG